The following is an entry in ClinVar:

NM_000254.3(MTR):c.*1361A>G

Gene: MTR (5-methyltetrahydrofolate-homocysteine methyltransferase; plus strand). Cytogenetic location: 1q43.
Variant type: single nucleotide variant.
Coding change: c.*1361A>G on transcript NM_000254.3 (MANE Select); 1361 bases downstream of the stop codon, A replaced by G.
Molecular consequence: 3 prime UTR variant.
Genome position (GRCh38, 1-based): chr1:236,899,005, A>G. VCF-style: chr1-236899005-A-G. GRCh37 (hg19) VCF-style: chr1-237062305-A-G.
Other names: c.*1361A>G (NM_001291939.1, NM_001291940.2).
Identifiers: ClinVar variation 296611 (VCV000296611.6), dbSNP rs1050993, ClinGen allele CA10610643.
Genomic context (GRCh38, chr1:236,899,005, plus strand): 5'-CATGCAAAATATACACTCATCCTACTTCAAGATGGTGGTGGCAATAGTCAGGAGAAGGTA[A>G]CATTGGAGTCCTGGTTTGATTCGAAGGATGAAGACGAAGAAGCAAGGGAGGAACAAATGA-3'

ClinVar aggregate classification (germline): Benign. Review status: criteria provided, multiple submitters, no conflicts (2 of 4 stars). 2 submissions from 2 submitters: Benign (2). Last evaluated 2018-01-12.

Conditions:
Disorders of Intracellular Cobalamin Metabolism. Identifiers: MedGen CN043592.

Allele frequency attached by ClinVar (database versions not stated): gnomAD exomes 0.40000; gnomAD 0.71961 and 0.72163; TOPMed 0.73001; 1000 Genomes Project 0.76438; 1000 Genomes Project 30x 0.76718.
gnomAD v4.1: 109,460 of 152,132 alleles (72%); highest among the groups gnomAD compares: African/African-American, 91%; 40,669 homozygotes.

Submissions (2):

Illumina Laboratory Services, Illumina
Classification: Benign for Disorders of Intracellular Cobalamin Metabolism. Last evaluated: 2018-01-12. Review status: criteria provided, single submitter. Criteria: ICSL Variant Classification Criteria 13 December 2019. Collection method: clinical testing. Allele origin: germline.
Comment: This variant was observed in the ICSL laboratory as part of a predisposition screen in an ostensibly healthy population. It had not been previously curated by ICSL or reported in the Human Gene Mutation Database (HGMD: prior to June 1st, 2018), and was therefore a candidate for classification through an automated scoring system. Utilizing variant allele frequency, disease prevalence and penetrance estimates, and inheritance mode, an automated score was calculated to assess if this variant is too frequent to cause the disease. Based on the score and internal cut-off values, a variant classified as benign is not then subjected to further curation. The score for this variant resulted in a classification of benign for this disease.

Breakthrough Genomics
Classification: Benign. Review status: criteria provided, single submitter. Criteria: ACMG Guidelines, 2015. Collection method: not provided. Allele origin: germline. Inheritance: Autosomal recessive inheritance. Affected: yes.